The following is an entry in ClinVar:

ClinVar aggregate classification (germline): Uncertain significance. Review status: criteria provided, multiple submitters, no conflicts (2 of 4 stars). 3 submissions from 3 submitters: Uncertain significance (3). Last evaluated 2024-03-04.

Conditions:
Arrhythmogenic cardiomyopathy with wooly hair and keratoderma. Also called: Arrhythmogenic cardiomyopathy with woolly hair and keratoderma; PALMOPLANTAR KERATODERMA WITH LEFT VENTRICULAR CARDIOMYOPATHY AND WOOLLY HAIR; Carvajal syndrome; Dilated cardiomyopathy with woolly hair and keratoderma. Identifiers: Orphanet 65282, MedGen C1854063, MONDO:0011581, OMIM 605676.
Arrhythmogenic right ventricular dysplasia 8 (ARVD8). Also called: Arrhythmogenic Right Ventricular Dysplasia/Cardiomyopathy 8; ARRHYTHMOGENIC RIGHT VENTRICULAR DYSPLASIA, FAMILIAL, 8; ARRHYTHMOGENIC RIGHT VENTRICULAR CARDIOMYOPATHY 8. Identifiers: MedGen C1843896, MONDO:0011831, OMIM 607450.
Cardiovascular phenotype. Identifiers: MedGen CN230736.

Allele frequency attached by ClinVar (database versions not stated): gnomAD 0.00001.
gnomAD v4.1: 2 of 1,614,000 alleles (0.00012%); highest among the groups gnomAD compares: East Asian, 0.0022%; no homozygotes.

Submissions (3):

Labcorp Genetics (formerly Invitae), Labcorp
Classification: Uncertain significance for Arrhythmogenic cardiomyopathy with wooly hair and keratoderma; Arrhythmogenic right ventricular dysplasia 8. Last evaluated: 2024-03-04. Review status: criteria provided, single submitter. Criteria: Invitae Variant Classification Sherloc (09022015). Collection method: clinical testing. Allele origin: germline.
Comment: This sequence change replaces methionine, which is neutral and non-polar, with isoleucine, which is neutral and non-polar, at codon 204 of the DSP protein (p.Met204Ile). This variant is present in population databases (no rsID available, gnomAD 0.006%). This variant has not been reported in the literature in individuals affected with DSP-related conditions. An algorithm developed to predict the effect of missense changes on protein structure and function (PolyPhen-2) suggests that this variant is likely to be tolerated. In summary, the available evidence is currently insufficient to determine the role of this variant in disease. Therefore, it has been classified as a Variant of Uncertain Significance.

All of Us Research Program, National Institutes of Health
Classification: Uncertain significance for Arrhythmogenic cardiomyopathy with wooly hair and keratoderma. Last evaluated: 2023-12-13. Review status: criteria provided, single submitter. Criteria: ACMG Guidelines, 2015. Collection method: clinical testing. Allele origin: germline. Inheritance: Autosomal dominant inheritance. Observed: 2 variant alleles, 2 heterozygotes.
Comment: This missense variant replaces methionine with isoleucine at codon 204 of the DSP protein. Computational prediction suggests that this variant may not impact protein structure and function (internally defined REVEL score threshold <= 0.5, PMID: 27666373). To our knowledge, functional studies have not been reported for this variant. This variant has not been reported in individuals affected with DSP-related disorders in the literature. This variant has been identified in 1/251328 chromosomes in the general population by the Genome Aggregation Database (gnomAD). The available evidence is insufficient to determine the role of this variant in disease conclusively. Therefore, this variant is classified as a Variant of Uncertain Significance.

This study involves interpretation of variants in research participants for the purpose of population health screening. Participant phenotype was not available at the time of variant classification. Additional details can be found in publication PMID: 35346344, PMCID: PMC8962531

Ambry Genetics
Classification: Uncertain significance for Cardiovascular phenotype. Last evaluated: 2023-11-08. Review status: criteria provided, single submitter. Criteria: Ambry Variant Classification Scheme 2023. Collection method: clinical testing. Allele origin: germline.
Comment: The p.M204I variant (also known as c.612G>T), located in coding exon 5 of the DSP gene, results from a G to T substitution at nucleotide position 612. The methionine at codon 204 is replaced by isoleucine, an amino acid with highly similar properties. This amino acid position is conserved. In addition, this alteration is predicted to be tolerated by in silico analysis. Since supporting evidence is limited at this time, the clinical significance of this alteration remains unclear.

NM_004415.4(DSP):c.612G>T (p.Met204Ile)

Gene: DSP (desmoplakin; plus strand). Cytogenetic location: 6p24.3.
Variant type: single nucleotide variant.
Coding change: c.612G>T on transcript NM_004415.4 (MANE Select); coding-DNA position 612, G replaced by T.
Protein change: p.Met204Ile; replaces methionine 204 with isoleucine.
Molecular consequence: missense variant.
Genome position (GRCh38, 1-based): chr6:7,562,666, G>T. VCF-style: chr6-7562666-G-T. GRCh37 (hg19) VCF-style: chr6-7562899-G-T.
Other names: c.612G>T, p.Met204Ile (NM_001008844.3, NM_001319034.2, NM_001406591.1); short protein forms M204I.
Identifiers: ClinVar variation 2936276 (VCV002936276.5), dbSNP rs1021314728, ClinGen allele CA133953206.